The following is an entry in ClinVar:

ClinVar aggregate classification (germline): Uncertain significance (1 of 4 stars; one submission).

Allele frequency attached by ClinVar (database versions not stated): gnomAD exomes 0.00001; ExAC 0.00002; TOPMed 0.00002.
gnomAD v4.1: 3 of 1,612,766 alleles (0.00019%); highest among the groups gnomAD compares: Non-Finnish European, 0.00025%; no homozygotes.

Submission:

Labcorp Genetics (formerly Invitae), Labcorp
Classification: Uncertain significance. Last evaluated: 2022-01-14. Review status: criteria provided, single submitter. Criteria: Invitae Variant Classification Sherloc (09022015). Collection method: clinical testing. Allele origin: germline.
Comment: This sequence change replaces methionine, which is neutral and non-polar, with isoleucine, which is neutral and non-polar, at codon 3987 of the PCLO protein (p.Met3987Ile). This variant is present in population databases (rs768019945, gnomAD 0.002%). This variant has not been reported in the literature in individuals affected with PCLO-related conditions. Algorithms developed to predict the effect of missense changes on protein structure and function are either unavailable or do not agree on the potential impact of this missense change (SIFT: "Tolerated"; PolyPhen-2: "Not Available"; Align-GVGD: "Class C0"). In summary, the available evidence is currently insufficient to determine the role of this variant in disease. Therefore, it has been classified as a Variant of Uncertain Significance.

NM_033026.6(PCLO):c.11961G>C (p.Met3987Ile)

Gene: PCLO (piccolo presynaptic cytomatrix protein; minus strand). Cytogenetic location: 7q21.11.
Variant type: single nucleotide variant.
Coding change: c.11961G>C on transcript NM_033026.6 (MANE Select); coding-DNA position 11961, G replaced by C.
Protein change: p.Met3987Ile; replaces methionine 3987 with isoleucine.
Molecular consequence: missense variant.
Genome position (GRCh38, 1-based): chr7:82,916,025, C>G on the plus strand (G>C on the coding strand, the complement: PCLO is on the minus strand). VCF-style: chr7-82916025-C-G. GRCh37 (hg19) VCF-style: chr7-82545341-C-G.
Other names: c.11961G>C, p.Met3987Ile (NM_014510.3); short protein forms M3987I.
Identifiers: ClinVar variation 1518824 (VCV001518824.5), dbSNP rs768019945, ClinGen allele CA4319476.
Genomic context (GRCh38, chr7:82,916,025, plus strand): 5'-ATTGTACTTACTACCAAGATGGGAAACAGCAAATGTGTTATCCGTAGAAACAGGTGCTAT[C>G]ATAAGGGGTTGGTTGCGAATCACTTCATAGTTTGAGGTTATCTTGGGCTCCAAATATAAT-3'
Protein context (NP_149015.2, residues 3977-3997): NYEVIRNQPL[Met3987Ile]IAPVSTDNTF